The following is an entry in ClinVar:

ClinVar aggregate classification (germline): Uncertain significance (1 of 4 stars; one submission).

Conditions:
Hereditary spastic paraplegia 30. Identifiers: Orphanet 101010, MedGen C5235139, MONDO:0012476.
Neuropathy, hereditary sensory, type 2C. Also called: Hereditary sensory and autonomic neuropathy type IIC; KIF1A-Related HSAN2 (HSAN2C). Identifiers: Orphanet 970, MedGen C3280168, MONDO:0013634, OMIM 614213.
Intellectual disability, autosomal dominant 9 (NESCAVS). Also called: NESCAV SYNDROME; KIF1A-Related Neurodevelopmental Disorder. Identifiers: Orphanet 662367, MedGen C5393830, MONDO:0013656, OMIM 614255.

Submission:

Labcorp Genetics (formerly Invitae), Labcorp
Classification: Uncertain significance for Hereditary spastic paraplegia 30; Neuropathy, hereditary sensory, type 2C; Intellectual disability, autosomal dominant 9. Last evaluated: 2022-10-20. Review status: criteria provided, single submitter. Criteria: Invitae Variant Classification Sherloc (09022015). Collection method: clinical testing. Allele origin: germline.
Comment: This variant is not present in population databases (gnomAD no frequency). This sequence change replaces glutamic acid, which is acidic and polar, with glutamine, which is neutral and polar, at codon 611 of the KIF1A protein (p.Glu611Gln). This variant has not been reported in the literature in individuals affected with KIF1A-related conditions. Algorithms developed to predict the effect of missense changes on protein structure and function (SIFT, PolyPhen-2, Align-GVGD) all suggest that this variant is likely to be tolerated. In summary, the available evidence is currently insufficient to determine the role of this variant in disease. Therefore, it has been classified as a Variant of Uncertain Significance.

NM_001244008.2(KIF1A):c.1858G>C (p.Glu620Gln)

Gene: KIF1A (kinesin family member 1A; minus strand). Cytogenetic location: 2q37.3.
Variant type: single nucleotide variant.
Coding change: c.1858G>C on transcript NM_001244008.2 (MANE Select); coding-DNA position 1858, G replaced by C.
Protein change: p.Glu620Gln; replaces glutamic acid 620 with glutamine.
Molecular consequence: missense variant.
Genome position (GRCh38, 1-based): chr2:240,763,257, C>G on the plus strand (G>C on the coding strand, the complement: KIF1A is on the minus strand). VCF-style: chr2-240763257-C-G. GRCh37 (hg19) VCF-style: chr2-241702674-C-G.
Other names: c.1858G>C, p.Glu620Gln (NM_001320705.2, NM_001330289.2, NM_001379638.1); c.1933G>C, p.Glu645Gln (NM_001330290.2, NM_001379631.1, NM_001379634.1 and 2 more transcripts); c.1831G>C, p.Glu611Gln (NM_001379632.1, NM_001379633.1, NM_001379636.1 and 11 more transcripts); c.1906G>C, p.Glu636Gln (NM_001379637.1, NM_001379648.1); short protein forms E611Q, E620Q, E636Q, E645Q.
Identifiers: ClinVar variation 1721958 (VCV001721958.6), dbSNP rs2125905821, ClinGen allele CA351327129.
Genomic context (GRCh38, chr2:240,763,257, plus strand): 5'-CCTGCTTCTCCAGCAGCTCACGCTGGGCGAAGGCCCAGTCCACAGGCTCAGCTGGCGTCT[C>G]CGCACAAGGCGTGCGCTCACGCTCCTGCCGGGCCTGCTCGGGGTGGTTGAACCGGAACAC-3'
Protein context (NP_001230937.1, residues 610-630): RQERERTPCA[Glu620Gln]TPAEPVDWAF